The following is an entry in ClinVar:

NM_000448.3(RAG1):c.1229G>A (p.Arg410Gln)

Gene: RAG1 (recombination activating 1; plus strand). Cytogenetic location: 11p12.
Variant type: single nucleotide variant.
Coding change: c.1229G>A on transcript NM_000448.3 (MANE Select); coding-DNA position 1229, G replaced by A.
Protein change: p.Arg410Gln; replaces arginine 410 with glutamine.
Molecular consequence: missense variant.
Genome position (GRCh38, 1-based): chr11:36,574,533, G>A. VCF-style: chr11-36574533-G-A. GRCh37 (hg19) VCF-style: chr11-36596083-G-A.
Other names: c.1229G>A, p.Arg410Gln (NM_001377277.1, NM_001377278.1, NM_001377279.1 and 1 more transcripts); short protein forms R410Q.
Identifiers: ClinVar variation 68678 (VCV000068678.9), dbSNP rs199474684, ClinGen allele CA219791.

ClinVar aggregate classification (germline): Pathogenic/Likely pathogenic. Review status: criteria provided, multiple submitters, no conflicts (2 of 4 stars). 5 submissions from 5 submitters: Pathogenic (3); Likely pathogenic (1). 1 of the submissions does not count toward it. Last evaluated 2025-06-20.

Conditions:
Severe combined immunodeficiency, autosomal recessive, T cell-negative, B cell-negative, NK cell-positive. Also called: SCID, AR, T-cell negative, B-cell negative, NK cell-positive; Severe combined immunodeficiency due to complete RAG1/2 deficiency; SCID, T CELL-NEGATIVE, B CELL-NEGATIVE, NK CELL-POSITIVE. Identifiers: Orphanet 331206, MedGen C1832322, MONDO:0011086, OMIM 601457.
Combined immunodeficiency with skin granulomas. Identifiers: Orphanet 157949, MedGen C2673536, MONDO:0009306, OMIM 233650.
Severe combined immunodeficiency disease. Also called: Severe Combined Immune Deficiency; Severe combined immunodeficiency. Identifiers: Orphanet 183660, MedGen C0085110, MeSH D016511, MONDO:0015974, HP:0004430. Inheritance: X-Linked or Autosomal recessive.
Histiocytic medullary reticulosis. Also called: SEVERE COMBINED IMMUNODEFICIENCY WITH HYPEREOSINOPHILIA; Omenn syndrome. Identifiers: Orphanet 39041, MedGen C2700553, MONDO:0011338, OMIM 603554.

Allele frequency attached by ClinVar (database versions not stated): TOPMed below 0.00001; gnomAD 0.00001; gnomAD exomes 0.00001.
gnomAD v4.1: 15 of 1,614,120 alleles (0.00093%); highest among the groups gnomAD compares: East Asian, 0.0022%; no homozygotes.

Submissions (5):

Women's Health and Genetics/Laboratory Corporation of America, LabCorp
Classification: Pathogenic for Severe combined immunodeficiency disease. Last evaluated: 2025-06-20. Review status: criteria provided, single submitter. Criteria: LabCorp Variant Classification Summary - May 2015. Collection method: clinical testing. Allele origin: germline.
Comment: Variant summary: RAG1 c.1229G>A (p.Arg410Gln) results in a conservative amino acid change in the encoded protein sequence. Algorithms developed to predict the effect of missense changes on protein structure and function are either unavailable or do not agree on the potential impact of this missense change. The variant allele was found at a frequency of 8e-06 in 250774 control chromosomes (gnomAD). c.1229G>A has been observed in individuals affected with Severe Combined Immunodeficiency (Villa_2001, Patiroglu_2015, Lee_2013, Schuetz_2023). These data indicate that the variant is likely to be associated with disease. At least one publication reports experimental evidence evaluating an impact on protein function and this variant affected the RAG1 protein function (Lee_2013). The following publications have been ascertained in the context of this evaluation (PMID: 11971977, 10635319, 24290284, 26689875, 36279417, 11133745). ClinVar contains an entry for this variant (Variation ID: 68678). Based on the evidence outlined above, the variant was classified as pathogenic.

Revvity Omics, Revvity
Classification: Pathogenic. Last evaluated: 2024-02-21. Review status: criteria provided, single submitter. Criteria: ACMG Guidelines, 2015. Collection method: clinical testing. Allele origin: germline.

Labcorp Genetics (formerly Invitae), Labcorp
Classification: Pathogenic for Combined immunodeficiency with skin granulomas; Severe combined immunodeficiency, autosomal recessive, T cell-negative, B cell-negative, NK cell-positive. Last evaluated: 2022-09-02. Review status: criteria provided, single submitter. Criteria: Invitae Variant Classification Sherloc (09022015). Collection method: clinical testing. Allele origin: germline.
Comment: ClinVar contains an entry for this variant (Variation ID: 68678). This sequence change replaces arginine, which is basic and polar, with glutamine, which is neutral and polar, at codon 410 of the RAG1 protein (p.Arg410Gln). This variant is present in population databases (rs199474684, gnomAD 0.004%). This missense change has been observed in individuals with severe combined immunodeficiency, Omenn syndrome (PMID: 11133745, 24406074, 27609655, 31031743). Advanced modeling of protein sequence and biophysical properties (such as structural, functional, and spatial information, amino acid conservation, physicochemical variation, residue mobility, and thermodynamic stability) performed at Invitae indicates that this missense variant is expected to disrupt RAG1 protein function. Experimental studies have shown that this missense change affects RAG1 function (PMID: 24290284). This variant disrupts the p.Arg410 amino acid residue in RAG1. Other variant(s) that disrupt this residue have been determined to be pathogenic (PMID: 24144642, 24290284, 24406074, 28769923). This suggests that this residue is clinically significant, and that variants that disrupt this residue are likely to be disease-causing. For these reasons, this variant has been classified as Pathogenic.

3billion
Classification: Likely pathogenic for Histiocytic medullary reticulosis. Last evaluated: 2022-09-01. Review status: criteria provided, single submitter. Criteria: ACMG Guidelines, 2015. Collection method: clinical testing. Allele origin: germline. Affected: yes. Observed: 1 heterozygote.
Comment: The variant is observed at an extremely low frequency in the gnomAD v2.1.1 dataset (total allele frequency: <0.001%). Missense changes are a common disease-causing mechanism. In silico tool predictions suggest damaging effect of the variant on gene or gene product (REVEL: 0.78; 3Cnet: 3CNET). Same nucleotide change resulting in same amino acid change has been previously reported to be associated with RAG1 -related disorder (PMID: 11133745). A different missense change at the same codon (p.Arg410Trp) has been reported to be associated with RAG1 -related disorder (ClinVar ID: VCV000859249/ PMID: 24290284). Therefore, this variant is classified as Likely pathogenic according to the recommendation of ACMG/AMP guideline.

UniProtKB/Swiss-Prot
No classification provided. Review status: no classification provided. Collection method: not provided. Allele origin: not provided. Not counted in ClinVar's aggregate classification.

Literature cited by the submitters: PubMed 11971977 (cited by Women's Health and Genetics/Laboratory Corporation of America, LabCorp); PubMed 10635319 (cited by Women's Health and Genetics/Laboratory Corporation of America, LabCorp); PubMed 11133745 (cited by 3 submitters); PubMed 24290284 (cited by 3 submitters); PubMed 26689875 (cited by Women's Health and Genetics/Laboratory Corporation of America, LabCorp); PubMed 36279417 (cited by Women's Health and Genetics/Laboratory Corporation of America, LabCorp); PubMed 24406074 (cited by Labcorp Genetics (formerly Invitae), Labcorp); PubMed 27609655 (cited by Labcorp Genetics (formerly Invitae), Labcorp); PubMed 31031743 (cited by Labcorp Genetics (formerly Invitae), Labcorp); PubMed 24144642 (cited by Labcorp Genetics (formerly Invitae), Labcorp); PubMed 28769923 (cited by Labcorp Genetics (formerly Invitae), Labcorp).